The following is an entry in ClinVar:

NM_000282.4(PCCA):c.673G>A (p.Gly225Ser)

Gene: PCCA (propionyl-CoA carboxylase subunit alpha; plus strand). Cytogenetic location: 13q32.3.
Variant type: single nucleotide variant.
Coding change: c.673G>A on transcript NM_000282.4 (MANE Select); coding-DNA position 673, G replaced by A.
Protein change: p.Gly225Ser; replaces glycine 225 with serine.
Molecular consequence: missense variant. On other transcripts: non-coding transcript variant (5), intron variant (3).
Genome position (GRCh38, 1-based): chr13:100,257,630, G>A. VCF-style: chr13-100257630-G-A. GRCh37 (hg19) VCF-style: chr13-100909884-G-A.
Other names: c.595G>A, p.Gly199Ser (NM_001127692.3, NM_001352607.2, NM_001352608.2); c.673G>A, p.Gly225Ser (NM_001178004.2, NM_001352605.2, NM_001352606.2 and 1 more transcripts); c.-229-5099G>A (NM_001352610.2, NM_001352611.2, NM_001352612.2); short protein forms G199S, G225S.
Identifiers: ClinVar variation 4852322 (VCV004852322.1).

ClinVar aggregate classification (germline): Likely pathogenic (1 of 4 stars; one submission).

Conditions:
Propionic acidemia (PROP). Also called: GLYCINEMIA, KETOTIC; HYPERGLYCINEMIA WITH KETOACIDOSIS AND LEUKOPENIA; KETOTIC HYPERGLYCINEMIA. Identifiers: Orphanet 35, MedGen C0268579, MONDO:0011628, OMIM 606054, HP:0003571.

gnomAD v4.1: 3 of 1,613,906 alleles (0.00019%); highest among the groups gnomAD compares: Non-Finnish European, 0.00025%; no homozygotes.

Submission:

Centre for Medical Genetics,  Mumbai
Classification: Likely pathogenic for Propionic acidemia. Last evaluated: 2026-05-21. Review status: criteria provided, single submitter. Criteria: ACMG Guidelines, 2015. Collection method: provider interpretation. Allele origin: germline. Inheritance: Autosomal recessive inheritance. Affected: no. Observed: 1 variant allele, 1 homozygote.
Comment: The variant satisfies PM1 criteria - non-truncating non-synonymous variant is located in a mutational hot spot and/or critical and well-established functional domain. The variant satisfies PP2 criteria - missense variant in a gene with low rate of benign missense mutations and for which missense mutation is a common mechanism of a disease. The variant satisfies PM2 criteria - extremely low frequency in gnomAD population databases. The variant satisfies PP3 criteria - for a missense or a splicing region variant, computational prediction tools unanimously support a deleterious effect on the gene. Hence, should be considered as a likely pathogenic variant.

Literature cited by the submitters: PubMed 17051315.